The following is an entry in ClinVar:

NM_014844.5(TECPR2):c.524_527delinsACTGGATTATAGCCA (p.Ile175fs)

Gene: TECPR2 (tectonin beta-propeller repeat containing 2; plus strand). Cytogenetic location: 14q32.31.
Variant type: Indel.
Coding change: c.524_527delinsACTGGATTATAGCCA on transcript NM_014844.5 (MANE Select); coding-DNA positions 524 to 527, TTGT replaced by ACTGGATTATAGCCA.
Protein change: p.Ile175fs; shifts the reading frame from isoleucine 175.
Molecular consequence: frameshift variant.
Genome position (GRCh38, 1-based): chr14:102,414,679-102,414,682, TTGT replaced by ACTGGATTATAGCCA. VCF-style: chr14-102414679-TTGT-ACTGGATTATAGCCA. GRCh37 (hg19) VCF-style: chr14-102881016-TTGT-ACTGGATTATAGCCA.
Other names: c.524_527delinsACTGGATTATAGCCA, p.Ile175fs (NM_001172631.3); short protein forms I175fs.
Identifiers: ClinVar variation 2290470 (VCV002290470.2), dbSNP rs2504387570, ClinGen allele CA2580088406.

ClinVar aggregate classification (germline): Pathogenic (1 of 4 stars; one submission).

Conditions:
Inborn genetic diseases. Identifiers: MedGen C0950123, MeSH D030342.

Submission:

Ambry Genetics
Classification: Pathogenic for Inborn genetic diseases. Last evaluated: 2022-06-02. Review status: criteria provided, single submitter. Criteria: Ambry Variant Classification Scheme 2023. Collection method: clinical testing. Allele origin: germline.
Comment: The c.524_527delTTGTinsACTGGATTATAGCCA (p.I175Nfs*33) alteration, located in exon 5 (coding exon 4) of the TECPR2 gene, consists of an deletion of 4 and insertion of 15 nucleotides causing a translational frameshift at position 524 with a predicted alternate stop codon after 33 amino acids. This alteration is expected to result in loss of function by premature protein truncation or nonsense-mediated mRNA decay. This variant was not reported in population-based cohorts in the Genome Aggregation Database (gnomAD). Based on the available evidence, this alteration is classified as pathogenic.